The following is an entry in ClinVar:

ClinVar aggregate classification (germline): Pathogenic. Review status: criteria provided, multiple submitters, no conflicts (2 of 4 stars). 2 submissions from 2 submitters: Pathogenic (2). Last evaluated 2026-04-10.

Conditions:
Tyrosinase-positive oculocutaneous albinism (OCA2). Also called: ALBINISM II; Albinism, oculocutaneous, type II; Oculocutaneous albinism type 2. Identifiers: Orphanet 79432, MedGen C0268495, MONDO:0008746, OMIM 203200.

gnomAD v4.1: 2 of 1,614,000 alleles (0.00012%); highest among the groups gnomAD compares: Non-Finnish European, 0.00017%; no homozygotes.

Submissions (2):

Myriad Genetics, Inc.
Classification: Pathogenic for Tyrosinase-positive oculocutaneous albinism. Last evaluated: 2026-04-10. Review status: criteria provided, single submitter. Criteria: Myriad Autosomal Dominant, Autosomal Recessive and X-Linked Classification Criteria (2023). Collection method: clinical testing. Allele origin: unknown.
Comment: NM_000275.2(OCA2):c.2481T>G(Y827*) is a nonsense variant classified as pathogenic in the context of oculocutaneous albinism, OCA2-related. Y827* has been observed in cases with relevant disease (PMID: 35803923, 29345414). Relevant functional assessments of this variant are not available in the literature. Y827* has not been observed in referenced population frequency databases. In summary, NM_000275.2(OCA2):c.2481T>G(Y827*) is a nonsense variant in a gene where loss of function is a known mechanism of disease, is predicted to disrupt protein function, and has been observed more frequently in cases with the relevant disease than in healthy populations. Please note: this variant was assessed in the context of healthy population screening.

Labcorp Genetics (formerly Invitae), Labcorp
Classification: Pathogenic. Last evaluated: 2023-09-21. Review status: criteria provided, single submitter. Criteria: Invitae Variant Classification Sherloc (09022015). Collection method: clinical testing. Allele origin: germline.
Comment: For these reasons, this variant has been classified as Pathogenic. This sequence change creates a premature translational stop signal (p.Tyr827*) in the OCA2 gene. While this is not anticipated to result in nonsense mediated decay, it is expected to disrupt the last 12 amino acid(s) of the OCA2 protein. This variant is not present in population databases (gnomAD no frequency). This premature translational stop signal has been observed in individual(s) with clinical features of oculocutaneous albinism and/or ocular albinism (PMID: 29345414). In at least one individual the data is consistent with being in trans (on the opposite chromosome) from a pathogenic variant. ClinVar contains an entry for this variant (Variation ID: 2152218). This variant disrupts a region of the OCA2 protein in which other variant(s) (p.Val835del) have been observed in individuals with OCA2-related conditions (PMID: 10987646). This suggests that this is a clinically significant region of the protein, and that variants that disrupt it are likely to be disease-causing.

Literature cited by the submitters: PubMed 29345414 (cited by Myriad Genetics, Inc. and Labcorp Genetics (formerly Invitae), Labcorp); PubMed 35803923 (cited by Myriad Genetics, Inc.); PubMed 10987646 (cited by Labcorp Genetics (formerly Invitae), Labcorp).

NM_000275.3(OCA2):c.2481T>G (p.Tyr827Ter)

Gene: OCA2 (OCA2 melanosomal transmembrane protein; minus strand). Cytogenetic location: 15q12.
Variant type: single nucleotide variant.
Coding change: c.2481T>G on transcript NM_000275.3 (MANE Select); coding-DNA position 2481, T replaced by G.
Protein change: p.Tyr827Ter; replaces tyrosine 827 with a stop codon.
Molecular consequence: nonsense.
Genome position (GRCh38, 1-based): chr15:27,755,424, A>C on the plus strand (T>G on the coding strand, the complement: OCA2 is on the minus strand). VCF-style: chr15-27755424-A-C. GRCh37 (hg19) VCF-style: chr15-28000570-A-C.
Other names: c.2409T>G, p.Tyr803Ter (NM_001300984.2); short protein forms Y827*, Y803*.
Identifiers: ClinVar variation 2152218 (VCV002152218.5), dbSNP rs2030268600, ClinGen allele CA391470061.